The following is an entry in ClinVar:

ClinVar aggregate classification (germline): Uncertain significance (1 of 4 stars; one submission).

Submission:

Labcorp Genetics (formerly Invitae), Labcorp
Classification: Uncertain significance. Last evaluated: 2022-05-18. Review status: criteria provided, single submitter. Criteria: Invitae Variant Classification Sherloc (09022015). Collection method: clinical testing. Allele origin: germline.
Comment: This sequence change replaces lysine, which is basic and polar, with arginine, which is basic and polar, at codon 283 of the ADAMTS17 protein (p.Lys283Arg). This variant is not present in population databases (gnomAD no frequency). This variant has not been reported in the literature in individuals affected with ADAMTS17-related conditions. Algorithms developed to predict the effect of missense changes on protein structure and function output the following: SIFT: "Not Available"; PolyPhen-2: "Benign"; Align-GVGD: "Not Available". The arginine amino acid residue is found in multiple mammalian species, which suggests that this missense change does not adversely affect protein function. In summary, the available evidence is currently insufficient to determine the role of this variant in disease. Therefore, it has been classified as a Variant of Uncertain Significance.

NM_139057.4(ADAMTS17):c.848A>G (p.Lys283Arg)

Gene: ADAMTS17 (ADAM metallopeptidase with thrombospondin type 1 motif 17; minus strand). Cytogenetic location: 15q26.3.
Variant type: single nucleotide variant.
Coding change: c.848A>G on transcript NM_139057.4 (MANE Select); coding-DNA position 848, A replaced by G.
Protein change: p.Lys283Arg; replaces lysine 283 with arginine.
Molecular consequence: missense variant.
Genome position (GRCh38, 1-based): chr15:100,262,377, T>C on the plus strand (A>G on the coding strand, the complement: ADAMTS17 is on the minus strand). VCF-style: chr15-100262377-T-C. GRCh37 (hg19) VCF-style: chr15-100802582-T-C.
Other names: short protein forms K283R.
Identifiers: ClinVar variation 1996063 (VCV001996063.4), dbSNP rs2548797681, ClinGen allele CA393940452.